The following is an entry in ClinVar:

NM_004380.3(CREBBP):c.2114-7A>C

Gene: CREBBP (CREB binding lysine acetyltransferase; minus strand). Cytogenetic location: 16p13.3.
Variant type: single nucleotide variant.
Coding change: c.2114-7A>C on transcript NM_004380.3 (MANE Select); 7 bases into the intron before coding-DNA position 2114, A replaced by C.
Molecular consequence: intron variant.
Genome position (GRCh38, 1-based): chr16:3,777,664, T>G on the plus strand (A>C on the coding strand, the complement: CREBBP is on the minus strand). VCF-style: chr16-3777664-T-G. GRCh37 (hg19) VCF-style: chr16-3827665-T-G.
Other names: c.2000-7A>C (NM_001079846.1).
Identifiers: ClinVar variation 4984693 (VCV004984693.1).
Genomic context (GRCh38, chr16:3,777,664, plus strand): 5'-GTTCAATACCTTGAGAAACTTGCATGCGATTCACTGGCAGGGACAGGGGTCCATCTATGG[T>G]GGCAAAACAAAAACAAAAACAAAACCACCCTAGTTATTTAATATAATCCTTGATTCAGGA-3'

ClinVar aggregate classification (germline): Likely benign (1 of 4 stars; one submission).

Conditions:
CREBBP-related disorder. Also called: CREBBP-related disorders; CREBBP-related condition.

Submission:

PreventionGenetics, part of Exact Sciences
Classification: Likely benign for CREBBP-related condition. Last evaluated: 2024-11-18. Review status: criteria provided, single submitter. Criteria: ACMG Guidelines, 2015. Collection method: clinical testing. Allele origin: germline.
Comment: This variant is classified as likely benign based on ACMG/AMP sequence variant interpretation guidelines (Richards et al. 2015 PMID: 25741868, with internal and published modifications).